The following is an entry in ClinVar:

ClinVar aggregate classification (germline): Pathogenic/Likely pathogenic. Review status: criteria provided, multiple submitters, no conflicts (2 of 4 stars). 21 submissions from 21 submitters: Pathogenic (12); Likely pathogenic (8). 1 of the submissions does not count toward it. Last evaluated 2026-08-19.

Conditions:
Fetal anomalies with a likely genetic cause.
Mitochondrial complex I deficiency, nuclear type 25. Also called: Mitochondrial complex 1 deficiency, nuclear type 25. Identifiers: MedGen C4748806, MONDO:0032629, OMIM 618246.
NDUFB3-related disorders.
NDUFB3-related condition.
Inborn genetic diseases. Identifiers: MedGen C0950123, MeSH D030342.
Mitochondrial complex I deficiency. Also called: NADH:Q(1) OXIDOREDUCTASE DEFICIENCY. Identifiers: Orphanet 2609, MedGen C1838979, MeSH C537475, MONDO:0100133.

Allele frequency attached by ClinVar (database versions not stated): 1000 Genomes Project 0.00040; 1000 Genomes Project 30x 0.00062; ExAC 0.00067; gnomAD exomes 0.00085 and 0.00169; TOPMed 0.00111; gnomAD 0.00113 and 0.00116; ESP Exome Variant Server 0.00123.
gnomAD v4.1: 2,686 of 1,613,274 alleles (0.17%); highest among the groups gnomAD compares: Non-Finnish European, 0.2%; no homozygotes.

Submissions 1 to 11 of 21:

PreventionGenetics, part of Exact Sciences
Classification: Pathogenic for NDUFB3-related condition. Last evaluated: 2026-08-19. Review status: criteria provided, single submitter. Criteria: ACMG Guidelines, 2015. Collection method: clinical testing. Allele origin: germline.
Comment: The NDUFB3 c.64T>C variant is predicted to result in the amino acid substitution p.Trp22Arg. This variant has been reported to be causative for mitochondrial complex I deficiency in the homozygous or compound heterozygous state (OMIM #618246) and is the most commonly reported variant in this gene (Alston et al. 2016. PubMed ID: 27091925; Calvo et al. 2012. PubMed ID: 22277967; Helbig et al. 2016. PubMed ID: 26795593). In a cohort of 10 homozygous patients, individuals presented in infancy with acute, life-threatening metabolic crises followed by a period of sustained improvement; additionally, 9/10 of these individuals had known Irish heritage, leading the authors to speculate that this variant may be an Irish founder mutation (Alston et al. 2016. PubMed ID: 27091925). This variant is reported in 0.14% of alleles in individuals of European (Non-Finnish) descent in gnomAD. This variant is interpreted as pathogenic.

Genetics Laboratory, Great Ormond Street Hospital NHS Foundation Trust, North Thames Genomic Laboratory Hub
Classification: Likely pathogenic for Fetal anomalies with a likely genetic cause. Last evaluated: 2026-07-01. Review status: criteria provided, single submitter. Criteria: ACGS Best Practice Guidelines for Variant Classification in Rare Disease 2024 v1.2. Collection method: clinical testing. Allele origin: germline. Affected: yes.
Comment: PP3_supporting, PS3_moderate, PM3_moderate, PP4_moderate

Wales Gene Park, Division Of Cancer and Genetics, Cardiff University
Classification: Likely pathogenic for Mitochondrial complex I deficiency, nuclear type 25. Last evaluated: 2026-04-28. Review status: criteria provided, single submitter. Criteria: ACGS Best Practice Guidelines for Variant Classification in Rare Disease 2024. Collection method: research. Allele origin: biparental. Inheritance: Autosomal recessive inheritance. Affected: yes. Study: 100,000 Genomes Project (Wales).
Comment: Homozygous NDUFB3 missense variant detected by trio genome sequencing. REVEL score 0.913. Reported as recurrent homozygous variant in literature (Alston et al 2016, PMID 27091925). Alston et al also presented segregation data and confirmed a defect in Complex I assembly in skeletal muscle from three patients. Evidence codes: PS3_moderate, PM3, PP3, PP1.

Labcorp Genetics (formerly Invitae), Labcorp
Classification: Pathogenic. Last evaluated: 2025-12-10. Review status: criteria provided, single submitter. Criteria: Invitae Variant Classification Sherloc (09022015). Collection method: clinical testing. Allele origin: germline.
Comment: This sequence change replaces tryptophan, which is neutral and slightly polar, with arginine, which is basic and polar, at codon 22 of the NDUFB3 protein (p.Trp22Arg). This variant is present in population databases (rs142609245, gnomAD 0.1%), and has an allele count higher than expected for a pathogenic variant. This missense change has been observed in individual(s) with mitochondrial complex I deficiency (PMID: 22277967, 27091925). It has also been observed to segregate with disease in related individuals. ClinVar contains an entry for this variant (Variation ID: 252575). An algorithm developed to predict the effect of missense changes on protein structure and function (PolyPhen-2) suggests that this variant is likely to be disruptive. Experimental studies have shown that this missense change affects NDUFB3 function (PMID: 27091925). For these reasons, this variant has been classified as Pathogenic.

CeGaT Center for Human Genetics Tuebingen
Classification: Likely pathogenic. Last evaluated: 2025-07-01. Review status: criteria provided, single submitter. Criteria: CeGaT Center For Human Genetics Tuebingen Variant Classification Criteria Version 2. Collection method: clinical testing. Allele origin: germline. Affected: yes. Observed: 3 variant alleles.
Comment: NDUFB3: PP1:Moderate, PP4:Moderate, PS3:Moderate

Dasa
Classification: Likely pathogenic for Mitochondrial complex I deficiency, nuclear type 25. Last evaluated: 2025-06-29. Review status: criteria provided, single submitter. Criteria: DASA Assertion Criteria. Collection method: clinical testing. Allele origin: germline.
Comment: NM_002491.3(NDUFB3):c.64T>C (p.Trp22Arg) is a missense variant that results in the substitution of tryptophan with arginine. This variant has been reported in individuals with NDUFB3-related disorders (PMID: 22277967). Functional evidence supports an impact on the gene or gene product. Also, this variant is rare in population databases. Computational evidence supports a deleterious effect. Based on the currently available evidence, this variant is classified as likely pathogenic.

Ambry Genetics
Classification: Pathogenic for Inborn genetic diseases. Last evaluated: 2025-06-20. Review status: criteria provided, single submitter. Criteria: Ambry Variant Classification Scheme 2023. Collection method: clinical testing. Allele origin: germline.
Comment: The c.64T>C (p.W22R) alteration is located in exon 2 (coding exon 1) of the NDUFB3 gene. This alteration results from a T to C substitution at nucleotide position 64, causing the tryptophan (W) at amino acid position 22 to be replaced by an arginine (R). Based on data from gnomAD, the C allele has an overall frequency of 0.08% (239/282372) total alleles studied. The highest observed frequency was 0.14% (178/128812) of European (non-Finnish) alleles. This variant has been identified in the homozygous state or in conjunction with another NDUFB3 variant in individuals with features consistent with NDUFB3-related mitochondrial complex I deficiency; in at least one instance, the variants were identified in trans (Calvo, 2012; Haack, 2012; Alston, 2016; Hakim, 2019). This amino acid position is highly conserved in available vertebrate species. Complementation studies demonstrated that the p.W22R alteration produced decreased complex I activity (Calvo, 2012; Haack, 2012). This alteration is predicted to be deleterious by in silico analysis. Based on the available evidence, this alteration is classified as pathogenic.

3billion
Classification: Pathogenic for Mitochondrial complex I deficiency, nuclear type 25. Last evaluated: 2024-12-19. Review status: criteria provided, single submitter. Criteria: ACMG Guidelines, 2015. Collection method: clinical testing. Allele origin: germline. Affected: yes.
Comment: The variant is observed at an extremely low frequency in the gnomAD v4.1.0 dataset (total allele frequency: 0.166%). Predicted Consequence/Location: Missense variant. The majority of the known disease-causing variants of this gene are variants expected to result in premature termination of the protein. Functional studies provide supporting evidence of the variant having a damaging effect on the gene or gene product (PMID: 22277967, 22499348). In silico tool predictions suggest damaging effect of the variant on gene or gene product [REVEL: 0.91 (>=0.6, sensitivity 0.68 and specificity 0.92); 3Cnet: 0.09 (>=0.6, sensitivity 0.72 and precision 0.9)]. The same nucleotide change resulting in the same amino acid change has been previously reported as pathogenic/likely pathogenic with strong evidence (ClinVar ID: VCV000252575 /PMID: 22277967 /3billion dataset). The variant has been reported to be in trans with a pathogenic variant as either compound heterozygous or homozygous in at least 2 similarly affected unrelated individuals (PMID: 22277967, 27091925). Therefore, this variant is classified as Pathogenic according to the recommendation of ACMG/AMP guideline.

Blueprint Genetics
Classification: Pathogenic for NDUFB3-related disorders. Last evaluated: 2024-11-25. Review status: criteria provided, single submitter. Criteria: ACMG Guidelines, 2015. Collection method: clinical testing. Allele origin: germline. Affected: yes. Observed: 5 variant alleles.

Revvity Omics, Revvity
Classification: Pathogenic for Mitochondrial complex I deficiency, nuclear type 25. Last evaluated: 2023-04-11. Review status: criteria provided, single submitter. Criteria: ACMG Guidelines, 2015. Collection method: clinical testing. Allele origin: germline.

Department of Pathology and Laboratory Medicine, Sinai Health System
Classification: Pathogenic for Mitochondrial complex I deficiency, nuclear type 25. Last evaluated: 2022-10-14. Review status: criteria provided, single submitter. Criteria: ACMG Guidelines, 2015. Collection method: research. Allele origin: germline.

NM_002491.3(NDUFB3):c.64T>C (p.Trp22Arg)

Gene: NDUFB3 (NADH:ubiquinone oxidoreductase subunit B3; plus strand). Cytogenetic location: 2q33.1.
Variant type: single nucleotide variant.
Coding change: c.64T>C on transcript NM_002491.3 (MANE Select); coding-DNA position 64, T replaced by C.
Protein change: p.Trp22Arg; replaces tryptophan 22 with arginine.
Molecular consequence: missense variant.
Genome position (GRCh38, 1-based): chr2:201,078,946, T>C. VCF-style: chr2-201078946-T-C. GRCh37 (hg19) VCF-style: chr2-201943669-T-C.
Other names: c.64T>C, p.Trp22Arg (NM_001257102.2); short protein forms W22R.
Identifiers: ClinVar variation 252575 (VCV000252575.75), dbSNP rs142609245, ClinGen allele CA2052282.
Genomic context (GRCh38, chr2:201,078,946, plus strand): 5'-GCCCATGAACATGGACATGAGCATGGACATCATAAAATGGAACTTCCAGATTATAGACAA[T>C]GGAAGATAGAAGGGACACCATTAGAAACTATCCAGAAGAAGCTGGCTGCAAAAGGGCTAA-3'
Protein context (NP_002482.1, residues 12-32): HKMELPDYRQ[Trp22Arg]KIEGTPLETI